The following is an entry in ClinVar:

ClinVar aggregate classification (germline): Uncertain significance (1 of 4 stars; one submission).

Submission:

Labcorp Genetics (formerly Invitae), Labcorp
Classification: Uncertain significance. Last evaluated: 2022-10-08. Review status: criteria provided, single submitter. Criteria: Invitae Variant Classification Sherloc (09022015). Collection method: clinical testing. Allele origin: germline.
Comment: In summary, the available evidence is currently insufficient to determine the role of this variant in disease. Therefore, it has been classified as a Variant of Uncertain Significance. Advanced modeling of protein sequence and biophysical properties (such as structural, functional, and spatial information, amino acid conservation, physicochemical variation, residue mobility, and thermodynamic stability) performed at Invitae indicates that this missense variant is not expected to disrupt TCF3 protein function. This variant has not been reported in the literature in individuals affected with TCF3-related conditions. This variant is not present in population databases (gnomAD no frequency). This sequence change replaces leucine, which is neutral and non-polar, with histidine, which is basic and polar, at codon 227 of the TCF3 protein (p.Leu227His).

NM_003200.5(TCF3):c.680T>A (p.Leu227His)

Gene: TCF3 (transcription factor 3; minus strand). Cytogenetic location: 19p13.3.
Variant type: single nucleotide variant.
Coding change: c.680T>A on transcript NM_003200.5 (MANE Select); coding-DNA position 680, T replaced by A.
Protein change: p.Leu227His; replaces leucine 227 with histidine.
Molecular consequence: missense variant.
Genome position (GRCh38, 1-based): chr19:1,622,196, A>T on the plus strand (T>A on the coding strand, the complement: TCF3 is on the minus strand). VCF-style: chr19-1622196-A-T. GRCh37 (hg19) VCF-style: chr19-1622195-A-T.
Other names: c.680T>A, p.Leu227His (NM_001136139.4, NM_001351778.2, NM_001351779.2); short protein forms L227H.
Identifiers: ClinVar variation 1920918 (VCV001920918.5), dbSNP rs901772285, ClinGen allele CA304103626.
Genomic context (GRCh38, chr19:1,622,196, plus strand): 5'-AGCGGGGATGAGCCCCCACCCAGCATGGGCCCGAAGCCCGCCTGGCCCGGGGGACTCCAG[A>T]GCTCGGCTGAGGGGTGCAGGCTGCCATCTGTGGAGGGGAGCTGGTAAGGTGGGGGCCGAG-3'
Protein context (NP_003191.1, residues 217-237): ADGSLHPSAE[Leu227His]WSPPGQAGFG